The following is an entry in ClinVar:

NM_001374828.1(ARID1B):c.4231+1G>A

Gene: ARID1B (AT-rich interaction domain 1B; plus strand). Cytogenetic location: 6q25.3.
Variant type: single nucleotide variant.
Coding change: c.4231+1G>A on transcript NM_001374828.1 (MANE Select); the canonical splice donor site of the intron after coding-DNA position 4231, G replaced by A.
Molecular consequence: splice donor variant.
Genome position (GRCh38, 1-based): chr6:157,190,211, G>A. VCF-style: chr6-157190211-G-A. GRCh37 (hg19) VCF-style: chr6-157511345-G-A.
Other names: c.3862+1G>A (NM_020732.3); c.4111+1G>A (NM_001371656.1, NM_001374820.1); c.4072+1G>A (NM_017519.3); c.1732+1G>A (NM_001363725.2).
Identifiers: ClinVar variation 452035 (VCV000452035.3), dbSNP rs1554233187, ClinGen allele CA366235872.

ClinVar aggregate classification (germline): Pathogenic (1 of 4 stars; one submission).

Submission:

GeneDx
Classification: Pathogenic. Last evaluated: 2025-09-20. Review status: criteria provided, single submitter. Criteria: GeneDx Variant Classification Process June 2021. Collection method: clinical testing. Allele origin: germline. Affected: yes.
Comment: Canonical splice site variant predicted to result in a null allele in a gene for which loss of function is a known mechanism of disease; Not observed at significant frequency in large population cohorts (gnomAD)